The following is an entry in ClinVar:

NM_017636.4(TRPM4):c.1514A>G (p.His505Arg)

Gene: TRPM4 (transient receptor potential cation channel subfamily M member 4; plus strand). Cytogenetic location: 19q13.33.
Variant type: single nucleotide variant.
Coding change: c.1514A>G on transcript NM_017636.4 (MANE Select); coding-DNA position 1514, A replaced by G.
Protein change: p.His505Arg; replaces histidine 505 with arginine.
Molecular consequence: missense variant. On other transcripts: 5 prime UTR variant (1).
Genome position (GRCh38, 1-based): chr19:49,182,828, A>G. VCF-style: chr19-49182828-A-G. GRCh37 (hg19) VCF-style: chr19-49686085-A-G.
Other names: c.1514A>G, p.His505Arg (NM_001195227.2); c.1169A>G, p.His390Arg (NM_001321281.2); c.-40A>G (NM_001321282.2); c.992A>G, p.His331Arg (NM_001321283.2); c.452A>G, p.His151Arg (NM_001321285.2); short protein forms H390R, H151R, H331R, H505R.
Identifiers: ClinVar variation 894640 (VCV000894640.7), dbSNP rs749621197, ClinGen allele CA9569217.

ClinVar aggregate classification (germline): Uncertain significance. Review status: criteria provided, multiple submitters, no conflicts (2 of 4 stars). 3 submissions from 3 submitters: Uncertain significance (3). Last evaluated 2024-05-07.

Conditions:
Cardiovascular phenotype. Identifiers: MedGen CN230736.
Progressive familial heart block type IB (PFHB1B). Identifiers: Orphanet 871, MedGen C1970298, MONDO:0011474, OMIM 604559.

Allele frequency attached by ClinVar (database versions not stated): gnomAD exomes 0.00001 and 0.00002; ExAC 0.00003.
gnomAD v4.1: 14 of 1,613,288 alleles (0.00087%); highest among the groups gnomAD compares: Middle Eastern, 0.017%; no homozygotes.

Submissions (3):

GeneDx
Classification: Uncertain significance. Last evaluated: 2024-05-07. Review status: criteria provided, single submitter. Criteria: GeneDx Variant Classification Process June 2021. Collection method: clinical testing. Allele origin: germline. Affected: yes.
Comment: Not observed at significant frequency in large population cohorts (gnomAD); In silico analysis indicates that this missense variant does not alter protein structure/function; Has not been previously published as pathogenic or benign to our knowledge

Ambry Genetics
Classification: Uncertain significance for Cardiovascular phenotype. Last evaluated: 2021-09-03. Review status: criteria provided, single submitter. Criteria: Ambry Variant Classification Scheme 2023. Collection method: clinical testing. Allele origin: germline.
Comment: The p.H505R variant (also known as c.1514A>G), located in coding exon 11 of the TRPM4 gene, results from an A to G substitution at nucleotide position 1514. The histidine at codon 505 is replaced by arginine, an amino acid with highly similar properties. This amino acid position is conserved. In addition, this alteration is predicted to be tolerated by in silico analysis. Since supporting evidence is limited at this time, the clinical significance of this alteration remains unclear.

Illumina Laboratory Services, Illumina
Classification: Uncertain significance for Progressive familial heart block type IB. Last evaluated: 2018-01-12. Review status: criteria provided, single submitter. Criteria: ICSL Variant Classification Criteria 13 December 2019. Collection method: clinical testing. Allele origin: germline.